The following is an entry in ClinVar:

ClinVar aggregate classification (germline): Uncertain significance (1 of 4 stars; one submission).

Submission:

GeneDx
Classification: Uncertain significance. Last evaluated: 2023-12-09. Review status: criteria provided, single submitter. Criteria: GeneDx Variant Classification Process June 2021. Collection method: clinical testing. Allele origin: germline. Affected: yes.
Comment: Not observed at significant frequency in large population cohorts (gnomAD); In silico analysis supports that this missense variant does not alter protein structure/function; Has not been previously published as pathogenic or benign to our knowledge

NM_005334.3(HCFC1):c.4737G>T (p.Gln1579His)

Gene: HCFC1 (host cell factor C1; minus strand). Cytogenetic location: Xq28.
Variant type: single nucleotide variant.
Coding change: c.4737G>T on transcript NM_005334.3 (MANE Select); coding-DNA position 4737, G replaced by T.
Protein change: p.Gln1579His; replaces glutamine 1579 with histidine.
Molecular consequence: missense variant.
Genome position (GRCh38, 1-based): chrX:153,952,719, C>A on the plus strand (G>T on the coding strand, the complement: HCFC1 is on the minus strand). VCF-style: chrX-153952719-C-A. GRCh37 (hg19) VCF-style: chrX-153218170-C-A.
Other names: c.4869G>T, p.Gln1623His (NM_001410705.1); short protein forms Q1579H, Q1623H.
Identifiers: ClinVar variation 3252119 (VCV003252119.1), dbSNP rs2521497920.